The following is an entry in ClinVar:

NM_003737.4(DCHS1):c.9866A>T (p.Glu3289Val)

Gene: DCHS1 (dachsous cadherin-related 1; minus strand). Cytogenetic location: 11p15.4.
Variant type: single nucleotide variant.
Coding change: c.9866A>T on transcript NM_003737.4 (MANE Select); coding-DNA position 9866, A replaced by T.
Protein change: p.Glu3289Val; replaces glutamic acid 3289 with valine.
Molecular consequence: missense variant.
Genome position (GRCh38, 1-based): chr11:6,621,810, T>A on the plus strand (A>T on the coding strand, the complement: DCHS1 is on the minus strand). VCF-style: chr11-6621810-T-A. GRCh37 (hg19) VCF-style: chr11-6643041-T-A.
Other names: short protein forms E3289V.
Identifiers: ClinVar variation 2966029 (VCV002966029.3), dbSNP rs2493807239, ClinGen allele CA379477543.

ClinVar aggregate classification (germline): Uncertain significance (1 of 4 stars; one submission).

gnomAD v4.1: 3 of 1,601,218 alleles (0.00019%); highest among the groups gnomAD compares: Admixed American, 0.0051%; no homozygotes.

Submission:

Labcorp Genetics (formerly Invitae), Labcorp
Classification: Uncertain significance. Last evaluated: 2023-12-09. Review status: criteria provided, single submitter. Criteria: Invitae Variant Classification Sherloc (09022015). Collection method: clinical testing. Allele origin: germline.
Comment: This sequence change replaces glutamic acid, which is acidic and polar, with valine, which is neutral and non-polar, at codon 3289 of the DCHS1 protein (p.Glu3289Val). This variant is not present in population databases (gnomAD no frequency). This variant has not been reported in the literature in individuals affected with DCHS1-related conditions. Advanced modeling of protein sequence and biophysical properties (such as structural, functional, and spatial information, amino acid conservation, physicochemical variation, residue mobility, and thermodynamic stability) performed at Invitae indicates that this missense variant is not expected to disrupt DCHS1 protein function with a negative predictive value of 95%. In summary, the available evidence is currently insufficient to determine the role of this variant in disease. Therefore, it has been classified as a Variant of Uncertain Significance.